The following is an entry in ClinVar:

ClinVar aggregate classification (germline): Benign; other. Review status: criteria provided, multiple submitters, no conflicts (2 of 4 stars). 11 submissions from 11 submitters: Benign (9). 1 of the submissions does not count toward it. Last evaluated 2026-04-14.

Conditions:
Familial intrahepatic cholestasis. Identifiers: Orphanet 284385, MedGen CN296401, MONDO:0017290.
Progressive familial intrahepatic cholestasis type 2. Identifiers: Orphanet 79304, MedGen C3489789, MONDO:0011156, OMIM 601847.

Allele frequency attached by ClinVar (database versions not stated): gnomAD exomes 0.00211 and 0.00082; ExAC 0.00258; gnomAD 0.00883 and 0.00943; ESP Exome Variant Server 0.00921; 1000 Genomes Project 0.00998; TOPMed 0.00998; 1000 Genomes Project 30x 0.01046.
gnomAD v4.1: 2,579 of 1,613,880 alleles (0.16%); highest among the groups gnomAD compares: African/African-American, 3.1%; 40 homozygotes.

Submissions (11):

Genomenon, Inc
Classification: Benign for Familial intrahepatic cholestasis. Last evaluated: 2026-04-14. Review status: criteria provided, single submitter. Criteria: Genomenon Sequence Variant Interpretation Standards - Updated. Collection method: curation. Allele origin: germline. Affected: no.
Comment: ABCB11 p.Glu1186Lys (c.3556G>A) is a missense variant that changes the amino acid at residue 1186 from Glutamic acid to Lysine. This variant is present at high allele frequency in population databases. In conclusion, we classify ABCB11 p.Glu1186Lys (c.3556G>A) as a benign variant.

Labcorp Genetics (formerly Invitae), Labcorp
Classification: Benign. Last evaluated: 2026-01-31. Review status: criteria provided, single submitter. Criteria: Invitae Variant Classification Sherloc (09022015). Collection method: clinical testing. Allele origin: germline.

CeGaT Center for Human Genetics Tuebingen
Classification: Benign. Last evaluated: 2023-12-01. Review status: criteria provided, single submitter. Criteria: CeGaT Center For Human Genetics Tuebingen Variant Classification Criteria Version 2. Collection method: clinical testing. Allele origin: germline. Affected: yes. Observed: 2 variant alleles.
Comment: ABCB11: BS1, BS2

Mayo Clinic Laboratories, Mayo Clinic
Classification: Benign. Last evaluated: 2022-06-30. Review status: criteria provided, single submitter. Criteria: ACMG Guidelines, 2015. Collection method: clinical testing. Allele origin: germline. Observed: 3 variant alleles.
Comment: BA1

Women's Health and Genetics/Laboratory Corporation of America, LabCorp
Classification: Benign. Last evaluated: 2022-02-18. Review status: criteria provided, single submitter. Criteria: LabCorp Variant Classification Summary - May 2015. Collection method: clinical testing. Allele origin: germline.
Comment: Variant summary: ABCB11 c.3556G>A (p.Glu1186Lys) results in a conservative amino acid change located in the ABC transporter-like, ATP-binding domain of the encoded protein sequence. Three of five in-silico tools predict a damaging effect of the variant on protein function. The variant allele was found at a frequency of 0.0021 in 249196 control chromosomes, predominantly at a frequency of 0.031 within the African or African-American subpopulation in the gnomAD database, including 4 homozygotes. The observed variant frequency within African or African-American control individuals in the gnomAD database is approximately 13.86 fold of the estimated maximal expected allele frequency for a pathogenic variant in ABCB11 causing Familial Intrahepatic Cholestasis phenotype (0.0022), strongly suggesting that the variant is a benign polymorphism found primarily in populations of African or African-American origin. Five clinical diagnostic laboratories have submitted clinical-significance assessments for this variant to ClinVar after 2014 without evidence for independent evaluation. All laboratories classified the variant as benign. Based on the evidence outlined above, the variant was classified as benign.

Eurofins Ntd Llc (ga)
Classification: other. Last evaluated: 2018-05-02. Review status: criteria provided, single submitter. Criteria: EGL ClinVar v180209 classification definitions. Collection method: clinical testing. Allele origin: germline. Observed: 50 variant alleles, 49 heterozygotes, 1 homozygote.

Illumina Laboratory Services, Illumina
Classification: Benign for Progressive familial intrahepatic cholestasis type 2. Last evaluated: 2017-04-28. Review status: criteria provided, single submitter. Criteria: ICSL Variant Classification Criteria 13 December 2019. Collection method: clinical testing. Allele origin: germline.
Comment: This variant was observed as part of a predisposition screen in an ostensibly healthy population. A literature search was performed for the gene, cDNA change, and amino acid change (where applicable). Publications were found based on this search. The evidence from the literature, in combination with allele frequency data from public databases where available, was sufficient to rule this variant out of causing disease. Therefore, this variant is classified as benign.

GeneDx
Classification: Benign. Last evaluated: 2016-07-12. Review status: criteria provided, single submitter. Criteria: GeneDx Variant Classification (06012015). Collection method: clinical testing. Allele origin: germline. Affected: yes.
Comment: This variant is considered likely benign or benign based on one or more of the following criteria: it is a conservative change, it occurs at a poorly conserved position in the protein, it is predicted to be benign by multiple in silico algorithms, and/or has population frequency not consistent with disease.

Breakthrough Genomics
Classification: Benign. Review status: criteria provided, single submitter. Criteria: ACMG Guidelines, 2015. Collection method: not provided. Allele origin: germline. Inheritance: Autosomal recessive inheritance. Affected: yes.

PreventionGenetics, part of Exact Sciences
Classification: Benign. Review status: criteria provided, single submitter. Criteria: ACMG Guidelines, 2015. Collection method: clinical testing. Allele origin: germline.

Natera, Inc.
Classification: Benign for Progressive familial intrahepatic cholestasis type 2. Last evaluated: 2020-06-06. Review status: no assertion criteria provided. Collection method: clinical testing. Allele origin: germline. Not counted in ClinVar's aggregate classification.

Literature cited by the submitters: PubMed 20799350 (cited by Illumina Laboratory Services, Illumina); PubMed 19101985 (cited by Illumina Laboratory Services, Illumina); PubMed 20010382 (cited by Illumina Laboratory Services, Illumina).

NM_003742.4(ABCB11):c.3556G>A (p.Glu1186Lys)

Gene: ABCB11 (ATP binding cassette subfamily B member 11; minus strand). Cytogenetic location: 2q31.1.
Variant type: single nucleotide variant.
Coding change: c.3556G>A on transcript NM_003742.4 (MANE Select); coding-DNA position 3556, G replaced by A.
Protein change: p.Glu1186Lys; replaces glutamic acid 1186 with lysine.
Molecular consequence: missense variant.
Genome position (GRCh38, 1-based): chr2:168,927,218, C>T on the plus strand (G>A on the coding strand, the complement: ABCB11 is on the minus strand). VCF-style: chr2-168927218-C-T. GRCh37 (hg19) VCF-style: chr2-169783728-C-T.
Other names: c.3556G>A, p.Glu1186Lys (LRG_1199t1); short protein forms E1186K.
Identifiers: ClinVar variation 195964 (VCV000195964.49), dbSNP rs1521808, ClinGen allele CA242689.